The following is an entry in ClinVar:

NM_032634.4(PIGO):c.3086T>C (p.Leu1029Ser)

Gene: PIGO (phosphatidylinositol glycan anchor biosynthesis class O; minus strand). Cytogenetic location: 9p13.3.
Variant type: single nucleotide variant.
Coding change: c.3086T>C on transcript NM_032634.4 (MANE Select); coding-DNA position 3086, T replaced by C.
Protein change: p.Leu1029Ser; replaces leucine 1029 with serine.
Molecular consequence: missense variant.
Genome position (GRCh38, 1-based): chr9:35,089,434, A>G on the plus strand (T>C on the coding strand, the complement: PIGO is on the minus strand). VCF-style: chr9-35089434-A-G. GRCh37 (hg19) VCF-style: chr9-35089431-A-G.
Other names: c.1835T>C, p.Leu612Ser (NM_001201484.2, NM_152850.4); short protein forms L1029S, L612S.
Identifiers: ClinVar variation 842828 (VCV000842828.9), dbSNP rs1829316706, ClinGen allele CA373317387.

ClinVar aggregate classification (germline): Uncertain significance (1 of 4 stars; one submission).

Conditions:
Hyperphosphatasia with impaired intellectual development syndrome 2. Also called: Hyperphosphatasia with intellectual disability syndrome 2; GLYCOSYLPHOSPHATIDYLINOSITOL BIOSYNTHESIS DEFECT 6. Identifiers: Orphanet 247262, MedGen C3553637, MONDO:0013882, OMIM 614749.

Allele frequency attached by ClinVar (database versions not stated): TOPMed 0.00001.

Submission:

Labcorp Genetics (formerly Invitae), Labcorp
Classification: Uncertain significance for Hyperphosphatasia with impaired intellectual development syndrome 2. Last evaluated: 2022-09-27. Review status: criteria provided, single submitter. Criteria: Invitae Variant Classification Sherloc (09022015). Collection method: clinical testing. Allele origin: germline.
Comment: This variant has not been reported in the literature in individuals affected with PIGO-related conditions. This variant is not present in population databases (gnomAD no frequency). This sequence change replaces leucine, which is neutral and non-polar, with serine, which is neutral and polar, at codon 1029 of the PIGO protein (p.Leu1029Ser). In summary, the available evidence is currently insufficient to determine the role of this variant in disease. Therefore, it has been classified as a Variant of Uncertain Significance. Advanced modeling of protein sequence and biophysical properties (such as structural, functional, and spatial information, amino acid conservation, physicochemical variation, residue mobility, and thermodynamic stability) performed at Invitae indicates that this missense variant is not expected to disrupt PIGO protein function. ClinVar contains an entry for this variant (Variation ID: 842828).